The following is an entry in ClinVar:

ClinVar aggregate classification (germline): Uncertain significance. Review status: criteria provided, multiple submitters, no conflicts (2 of 4 stars). 2 submissions from 2 submitters: Uncertain significance (2). Last evaluated 2025-04-24.

Conditions:
Inborn genetic diseases. Identifiers: MedGen C0950123, MeSH D030342.
Immunodeficiency-centromeric instability-facial anomalies syndrome 2 (ICF2). Identifiers: Orphanet 2268, MedGen C3279748, MONDO:0013553, OMIM 614069.

Allele frequency attached by ClinVar (database versions not stated): ExAC 0.00001; gnomAD exomes 0.00002; TOPMed 0.00002; gnomAD 0.00002.

Submissions (2):

Ambry Genetics
Classification: Uncertain significance for Inborn genetic diseases. Last evaluated: 2025-04-24. Review status: criteria provided, single submitter. Criteria: Ambry Variant Classification Scheme 2023. Collection method: clinical testing. Allele origin: germline.

Labcorp Genetics (formerly Invitae), Labcorp
Classification: Uncertain significance for Immunodeficiency-centromeric instability-facial anomalies syndrome 2. Last evaluated: 2022-05-19. Review status: criteria provided, single submitter. Criteria: Invitae Variant Classification Sherloc (09022015). Collection method: clinical testing. Allele origin: germline.
Comment: This sequence change replaces arginine, which is basic and polar, with cysteine, which is neutral and slightly polar, at codon 295 of the ZBTB24 protein (p.Arg295Cys). The frequency data for this variant in the population databases is considered unreliable, as metrics indicate poor data quality at this position in the gnomAD database. This variant has not been reported in the literature in individuals affected with ZBTB24-related conditions. ClinVar contains an entry for this variant (Variation ID: 654207). Algorithms developed to predict the effect of missense changes on protein structure and function output the following: SIFT: "Not Available"; PolyPhen-2: "Benign"; Align-GVGD: "Not Available". The cysteine amino acid residue is found in multiple mammalian species, which suggests that this missense change does not adversely affect protein function. In summary, the available evidence is currently insufficient to determine the role of this variant in disease. Therefore, it has been classified as a Variant of Uncertain Significance.

NM_014797.3(ZBTB24):c.883C>T (p.Arg295Cys)

Gene: ZBTB24 (zinc finger and BTB domain containing 24; minus strand). Cytogenetic location: 6q21.
Variant type: single nucleotide variant.
Coding change: c.883C>T on transcript NM_014797.3 (MANE Select); coding-DNA position 883, C replaced by T.
Protein change: p.Arg295Cys; replaces arginine 295 with cysteine.
Molecular consequence: missense variant.
Genome position (GRCh38, 1-based): chr6:109,481,144, G>A on the plus strand (C>T on the coding strand, the complement: ZBTB24 is on the minus strand). VCF-style: chr6-109481144-G-A. GRCh37 (hg19) VCF-style: chr6-109802347-G-A.
Other names: c.883C>T, p.Arg295Cys (NM_001164313.2); short protein forms R295C.
Identifiers: ClinVar variation 654207 (VCV000654207.9), dbSNP rs773712148, ClinGen allele CA3954264.